The following is an entry in ClinVar:

ClinVar aggregate classification (germline): Uncertain significance (1 of 4 stars; one submission).

Conditions:
EGFR-related lung cancer (EGFR). Identifiers: MedGen CN130014.

Allele frequency attached by ClinVar (database versions not stated): TOPMed below 0.00001.

Submission:

Labcorp Genetics (formerly Invitae), Labcorp
Classification: Uncertain significance for EGFR-related lung cancer. Last evaluated: 2021-11-29. Review status: criteria provided, single submitter. Criteria: Invitae Variant Classification Sherloc (09022015). Collection method: clinical testing. Allele origin: germline.
Comment: This variant is not present in population databases (gnomAD no frequency). This sequence change replaces aspartic acid, which is acidic and polar, with asparagine, which is neutral and polar, at codon 1008 of the EGFR protein (p.Asp1008Asn). This variant has not been reported in the literature in individuals affected with EGFR-related conditions. Algorithms developed to predict the effect of missense changes on protein structure and function (SIFT, PolyPhen-2, Align-GVGD) all suggest that this variant is likely to be tolerated. In summary, the available evidence is currently insufficient to determine the role of this variant in disease. Therefore, it has been classified as a Variant of Uncertain Significance.

NM_005228.5(EGFR):c.3022G>A (p.Asp1008Asn)

Gene: EGFR (epidermal growth factor receptor; plus strand). Cytogenetic location: 7p11.2.
Variant type: single nucleotide variant.
Coding change: c.3022G>A on transcript NM_005228.5 (MANE Select); coding-DNA position 3022, G replaced by A.
Protein change: p.Asp1008Asn; replaces aspartic acid 1008 with asparagine.
Molecular consequence: missense variant.
Genome position (GRCh38, 1-based): chr7:55,201,263, G>A. VCF-style: chr7-55201263-G-A. GRCh37 (hg19) VCF-style: chr7-55268956-G-A.
Other names: c.2887G>A, p.Asp963Asn (NM_001346897.2, NM_001346899.2); c.3022G>A, p.Asp1008Asn (NM_001346898.2); c.2863G>A, p.Asp955Asn (NM_001346900.2); c.2221G>A, p.Asp741Asn (NM_001346941.2); short protein forms D1008N, D955N, D963N, D741N.
Identifiers: ClinVar variation 1476347 (VCV001476347.6), dbSNP rs1162232225, ClinGen allele CA367582501.